The following is an entry in ClinVar:

NM_003383.5(VLDLR):c.203-4G>A

Gene: VLDLR (very low density lipoprotein receptor; plus strand). Cytogenetic location: 9p24.2.
Variant type: single nucleotide variant.
Coding change: c.203-4G>A on transcript NM_003383.5 (MANE Select); 4 bases into the intron before coding-DNA position 203, G replaced by A.
Molecular consequence: intron variant.
Genome position (GRCh38, 1-based): chr9:2,639,855, G>A. VCF-style: chr9-2639855-G-A. GRCh37 (hg19) VCF-style: chr9-2639855-G-A.
Other names: c.203-4G>A (NM_001018056.3, NM_001322225.2, NM_001322226.2).
Identifiers: ClinVar variation 3004051 (VCV003004051.25), dbSNP rs749734323, ClinGen allele CA463712745.

ClinVar aggregate classification (germline): Conflicting classifications of pathogenicity. Review status: criteria provided, conflicting classifications (1 of 4 stars). 2 submissions from 2 submitters: Uncertain significance (1); Likely benign (1). Last evaluated 2024-02-01.

gnomAD v4.1: 2 of 1,613,970 alleles (0.00012%); highest among the groups gnomAD compares: African/African-American, 0.0013%; no homozygotes.

Submissions (2):

CeGaT Center for Human Genetics Tuebingen
Classification: Uncertain significance. Last evaluated: 2024-02-01. Review status: criteria provided, single submitter. Criteria: CeGaT Center For Human Genetics Tuebingen Variant Classification Criteria Version 2. Collection method: clinical testing. Allele origin: germline. Affected: yes. Observed: 1 variant allele.
Comment: VLDLR: PM2, BP4

Labcorp Genetics (formerly Invitae), Labcorp
Classification: Likely benign. Last evaluated: 2023-12-25. Review status: criteria provided, single submitter. Criteria: Invitae Variant Classification Sherloc (09022015). Collection method: clinical testing. Allele origin: germline.